The following is an entry in ClinVar:

NM_000133.4(F9):c.1226G>A (p.Gly409Glu)

Gene: F9 (coagulation factor IX; plus strand). Cytogenetic location: Xq27.1.
Variant type: single nucleotide variant.
Coding change: c.1226G>A on transcript NM_000133.4 (MANE Select); coding-DNA position 1226, G replaced by A.
Protein change: p.Gly409Glu; replaces glycine 409 with glutamic acid.
Molecular consequence: missense variant.
Genome position (GRCh38, 1-based): chrX:139,561,911, G>A. VCF-style: chrX-139561911-G-A. GRCh37 (hg19) VCF-style: chrX-138644070-G-A.
Other names: c.1112G>A, p.Gly371Glu (NM_001313913.2); short protein forms G371E, G409E.
Identifiers: ClinVar variation 5007509 (VCV005007509.2).
Genomic context (GRCh38, chrX:139,561,911, plus strand): 5'-CCATCTATAACAACATGTTCTGTGCTGGCTTCCATGAAGGAGGTAGAGATTCATGTCAAG[G>A]AGATAGTGGGGGACCCCATGTTACTGAAGTGGAAGGGACCAGTTTCTTAACTGGAATTAT-3'
Protein context (NP_000124.1, residues 399-419): FHEGGRDSCQ[Gly409Glu]DSGGPHVTEV

ClinVar aggregate classification (germline): Uncertain significance (1 of 4 stars; one submission).

Conditions:
Warfarin sensitivity, X-linked. Also called: COUMARIN SENSITIVITY, X-LINKED. Identifiers: MedGen C5393318, OMIM 301052, MONDO:0026768.
Hereditary factor IX deficiency disease (HEMB). Also called: PLASMA THROMBOPLASTIN COMPONENT DEFICIENCY; Hemophilia B; Christmas Disease; F9 DEFICIENCY; FACTOR IX DEFICIENCY. Identifiers: Orphanet 98879, MedGen C0008533, MeSH D002836, MONDO:0010604, OMIM 306900.
Thrombophilia, X-linked, due to factor 9 defect. Identifiers: MedGen C2749016, MONDO:0010432, OMIM 300807.

Submission:

Juno Genomics, Hangzhou Juno Genomics, Inc
Classification: Uncertain significance for Thrombophilia, X-linked, due to factor 9 defect; Warfarin sensitivity, X-linked; Hereditary factor IX deficiency disease. Review status: criteria provided, single submitter. Criteria: ACMG Guidelines, 2015. Collection method: clinical testing. Allele origin: germline.
Comment: Absent from controls (or at extremely low frequency if recessive) in Genome Aggregation Database.;Multiple lines of computational evidence support a deleterious effect on the gene or gene product.;Patient's phenotype or family history is highly specific for a disease with a single genetic etiology.